The following is an entry in ClinVar:

ClinVar aggregate classification (germline): Uncertain significance. Review status: criteria provided, multiple submitters, no conflicts (2 of 4 stars). 2 submissions from 2 submitters: Uncertain significance (2). Last evaluated 2020-12-22.

Conditions:
Hypertrophic cardiomyopathy 14. Identifiers: MedGen C2750467, MONDO:0013197, OMIM 613251.
Cardiovascular phenotype. Identifiers: MedGen CN230736.

Allele frequency attached by ClinVar (database versions not stated): gnomAD exomes below 0.00001; TOPMed below 0.00001.

Submissions (2):

Ambry Genetics
Classification: Uncertain significance for Cardiovascular phenotype. Last evaluated: 2020-12-22. Review status: criteria provided, single submitter. Criteria: Ambry Variant Classification Scheme 2023. Collection method: clinical testing. Allele origin: germline.
Comment: The p.M790T variant (also known as c.2369T>C), located in coding exon 18 of the MYH6 gene, results from a T to C substitution at nucleotide position 2369. The methionine at codon 790 is replaced by threonine, an amino acid with similar properties. This amino acid position is poorly conserved in available vertebrate species. In addition, this alteration is predicted to be tolerated by in silico analysis. Since supporting evidence is limited at this time, the clinical significance of this alteration remains unclear.

Neuberg Centre For Genomic Medicine, NCGM
Classification: Uncertain significance for Hypertrophic cardiomyopathy 14. Review status: criteria provided, single submitter. Criteria: ACMG Guidelines, 2015. Collection method: clinical testing. Allele origin: germline. Inheritance: Autosomal dominant inheritance. Affected: yes.
Comment: The missense variant c.2369T>C (p.Met790Thr) in the MYH6 gene has not been reported previously as a pathogenic variant nor as a benign variant, to our knowledge. This variant is reported with the allele frequency (0.0003%) in the gnomAD Exomes. This variant has been reported to the ClinVar database as Uncertain Significance. However, no details are available for independent assessment. The amino acid Methionine at position 790 is changed to a Threonine changing protein sequence and it might alter its composition and physico- chemical properties. The amino acid change p.Met790Thr in MYH6 is predicted as conserved by GERP++ and PhyloP across 100 vertebrates. For these reasons, this variant has been classified as Uncertain Significance.

NM_002471.4(MYH6):c.2369T>C (p.Met790Thr)

Gene: MYH6 (myosin heavy chain 6; minus strand). Cytogenetic location: 14q11.2.
Variant type: single nucleotide variant.
Coding change: c.2369T>C on transcript NM_002471.4 (MANE Select); coding-DNA position 2369, T replaced by C.
Protein change: p.Met790Thr; replaces methionine 790 with threonine.
Molecular consequence: missense variant.
Genome position (GRCh38, 1-based): chr14:23,396,344, A>G on the plus strand (T>C on the coding strand, the complement: MYH6 is on the minus strand). VCF-style: chr14-23396344-A-G. GRCh37 (hg19) VCF-style: chr14-23865553-A-G.
Other names: short protein forms M790T.
Identifiers: ClinVar variation 1790259 (VCV001790259.3), dbSNP rs1400861446, ClinGen allele CA389016251.
Genomic context (GRCh38, chr14:23,396,344, plus strand): 5'-CTGCGTTCCACTATCTTCTTGAACTCAATGCGCATGAGCTGGCCCCGGGCTTGGGCCTGC[A>G]TGCGCGTGATGATGCGGCTCAGCCTCTCATCCCGCATCTCCTCCAGCAGCCCAAGCAGCC-3'
Protein context (NP_002462.2, residues 780-800): DERLSRIITR[Met790Thr]QAQARGQLMR